The following is an entry in ClinVar:

ClinVar aggregate classification (germline): Uncertain significance (1 of 4 stars; one submission).

Conditions:
Cardiovascular phenotype. Identifiers: MedGen CN230736.

Submission:

Ambry Genetics
Classification: Uncertain significance for Cardiovascular phenotype. Last evaluated: 2025-03-05. Review status: criteria provided, single submitter. Criteria: Ambry Variant Classification Scheme 2023. Collection method: clinical testing. Allele origin: germline.
Comment: The p.D551G variant (also known as c.1652A>G), located in coding exon 14 of the PTPN11 gene, results from an A to G substitution at nucleotide position 1652. The aspartic acid at codon 551 is replaced by glycine, an amino acid with similar properties. This amino acid position is conserved. In addition, this alteration is predicted to be tolerated by in silico analysis. Based on the available evidence, the clinical significance of this variant remains unclear.

NM_002834.5(PTPN11):c.1652A>G (p.Asp551Gly)

Gene: PTPN11 (protein tyrosine phosphatase non-receptor type 11; plus strand). Cytogenetic location: 12q24.13.
Variant type: single nucleotide variant.
Coding change: c.1652A>G on transcript NM_002834.5 (MANE Select); coding-DNA position 1652, A replaced by G.
Protein change: p.Asp551Gly; replaces aspartic acid 551 with glycine.
Molecular consequence: missense variant.
Genome position (GRCh38, 1-based): chr12:112,502,196, A>G. VCF-style: chr12-112502196-A-G. GRCh37 (hg19) VCF-style: chr12-112940000-A-G.
Other names: c.1664A>G, p.Asp555Gly (NM_001330437.2); c.1649A>G, p.Asp550Gly (NM_001374625.1); short protein forms D555G, D550G, D551G.
Identifiers: ClinVar variation 3784979 (VCV003784979.1).